The following is an entry in ClinVar:

ClinVar aggregate classification (germline): Pathogenic (1 of 4 stars; one submission).

Submission:

Labcorp Genetics (formerly Invitae), Labcorp
Classification: Pathogenic. Last evaluated: 2021-12-02. Review status: criteria provided, single submitter. Criteria: Invitae Variant Classification Sherloc (09022015). Collection method: clinical testing. Allele origin: germline.
Comment: This sequence change creates a premature translational stop signal (p.Tyr2*) in the DARS2 gene. It is expected to result in an absent or disrupted protein product. Loss-of-function variants in DARS2 are known to be pathogenic (PMID: 17384640, 24566671). This variant is not present in population databases (gnomAD no frequency). This variant has not been reported in the literature in individuals affected with DARS2-related conditions. Algorithms developed to predict the effect of sequence changes on RNA splicing suggest that this variant may create or strengthen a splice site. For these reasons, this variant has been classified as Pathogenic.

Literature cited by the submitters: PubMed 17384640; PubMed 24566671.

NM_018122.5(DARS2):c.6C>G (p.Tyr2Ter)

Gene: DARS2 (aspartyl-tRNA synthetase 2, mitochondrial; plus strand). Cytogenetic location: 1q25.1.
Variant type: single nucleotide variant.
Coding change: c.6C>G on transcript NM_018122.5 (MANE Select); coding-DNA position 6, C replaced by G.
Protein change: p.Tyr2Ter; replaces tyrosine 2 with a stop codon.
Molecular consequence: nonsense.
Genome position (GRCh38, 1-based): chr1:173,825,235, C>G. VCF-style: chr1-173825235-C-G. GRCh37 (hg19) VCF-style: chr1-173794373-C-G.
Other names: c.6C>G, p.Tyr2Ter (NM_001365212.1, NM_001365213.2); short protein forms Y2*.
Identifiers: ClinVar variation 1453218 (VCV001453218.6), dbSNP rs2102629804, ClinGen allele CA343754765.